The following is an entry in ClinVar:

ClinVar aggregate classification (germline): Likely benign (0 of 4 stars; one submission).

Conditions:
SEMA3G-related disorder. Also called: SEMA3G-related condition.

Allele frequency attached by ClinVar (database versions not stated): ExAC 0.00008; gnomAD 0.00013; TOPMed 0.00015; gnomAD exomes 0.00027; ESP Exome Variant Server 0.00031.
gnomAD v4.1: 410 of 1,612,694 alleles (0.025%); highest among the groups gnomAD compares: Non-Finnish European, 0.033%; no homozygotes.

Submission:

PreventionGenetics, part of Exact Sciences
Classification: Likely benign for SEMA3G-related condition. Last evaluated: 2021-07-19. Review status: no assertion criteria provided. Collection method: clinical testing. Allele origin: germline.
Comment: This variant is classified as likely benign based on ACMG/AMP sequence variant interpretation guidelines (Richards et al. 2015 PMID: 25741868, with internal and published modifications).

NM_020163.3(SEMA3G):c.1376-9T>C

Gene: SEMA3G (semaphorin 3G; minus strand). Cytogenetic location: 3p21.1.
Variant type: single nucleotide variant.
Coding change: c.1376-9T>C on transcript NM_020163.3 (MANE Select); 9 bases into the intron before coding-DNA position 1376, T replaced by C.
Molecular consequence: intron variant.
Genome position (GRCh38, 1-based): chr3:52,439,780, A>G on the plus strand (T>C on the coding strand, the complement: SEMA3G is on the minus strand). VCF-style: chr3-52439780-A-G. GRCh37 (hg19) VCF-style: chr3-52473796-A-G.
Identifiers: ClinVar variation 3039006 (VCV003039006.2), dbSNP rs370421435, ClinGen allele CA2437956.
Genomic context (GRCh38, chr3:52,439,780, plus strand): 5'-TCAGCTGAGCCCCCTGCCTGGAGAGCGATGACTTTGAGCACAGACCCTGAGTCTGGGGCC[A>G]GGGAGGAGGGGTCAGCGGGACAGGAGGGGACAGCCAGAGACCCCACACCCCTCTCCAGCC-3'